The following is an entry in ClinVar:

ClinVar aggregate classification (germline): Uncertain significance (1 of 4 stars; one submission).

Conditions:
Hypertrophic cardiomyopathy. Also called: HYPERTROPHIC MYOCARDIOPATHY. Identifiers: Orphanet 217569, MedGen C0007194, MeSH D002312, MONDO:0005045, HP:0001639.

Allele frequency attached by ClinVar (database versions not stated): gnomAD exomes 0.00001.
gnomAD v4.1: 5 of 1,608,552 alleles (0.00031%); highest among the groups gnomAD compares: Non-Finnish European, 0.00042%; no homozygotes.

Submission:

Labcorp Genetics (formerly Invitae), Labcorp
Classification: Uncertain significance for Hypertrophic cardiomyopathy. Last evaluated: 2023-01-25. Review status: criteria provided, single submitter. Criteria: Invitae Variant Classification Sherloc (09022015). Collection method: clinical testing. Allele origin: germline.
Comment: In summary, the available evidence is currently insufficient to determine the role of this variant in disease. Therefore, it has been classified as a Variant of Uncertain Significance. Advanced modeling of protein sequence and biophysical properties (such as structural, functional, and spatial information, amino acid conservation, physicochemical variation, residue mobility, and thermodynamic stability) performed at Invitae indicates that this missense variant is not expected to disrupt MYOM1 protein function. This variant has not been reported in the literature in individuals affected with MYOM1-related conditions. This variant is not present in population databases (gnomAD no frequency). This sequence change replaces aspartic acid, which is acidic and polar, with glutamic acid, which is acidic and polar, at codon 1053 of the MYOM1 protein (p.Asp1053Glu).

NM_003803.4(MYOM1):c.3159C>G (p.Asp1053Glu)

Gene: MYOM1 (myomesin 1; minus strand). Cytogenetic location: 18p11.31.
Variant type: single nucleotide variant.
Coding change: c.3159C>G on transcript NM_003803.4 (MANE Select); coding-DNA position 3159, C replaced by G.
Protein change: p.Asp1053Glu; replaces aspartic acid 1053 with glutamic acid.
Molecular consequence: missense variant.
Genome position (GRCh38, 1-based): chr18:3,116,475, G>C on the plus strand (C>G on the coding strand, the complement: MYOM1 is on the minus strand). VCF-style: chr18-3116475-G-C. GRCh37 (hg19) VCF-style: chr18-3116473-G-C.
Other names: c.2871C>G, p.Asp957Glu (NM_019856.2); short protein forms D1053E, D957E.
Identifiers: ClinVar variation 2741611 (VCV002741611.3), dbSNP rs2510590328, ClinGen allele CA401705964.